The following is an entry in ClinVar:

NM_006914.4(RORB):c.1132C>A (p.Pro378Thr)

Gene: RORB (RAR related orphan receptor B; plus strand). Cytogenetic location: 9q21.13.
Variant type: single nucleotide variant.
Coding change: c.1132C>A on transcript NM_006914.4 (MANE Select); coding-DNA position 1132, C replaced by A.
Protein change: p.Pro378Thr; replaces proline 378 with threonine.
Molecular consequence: missense variant.
Genome position (GRCh38, 1-based): chr9:74,671,809, C>A. VCF-style: chr9-74671809-C-A. GRCh37 (hg19) VCF-style: chr9-77286725-C-A.
Other names: c.1165C>A, p.Pro389Thr (NM_001365023.1); short protein forms P378T, P389T.
Identifiers: ClinVar variation 5020580 (VCV005020580.1).

ClinVar aggregate classification (germline): Uncertain significance (1 of 4 stars; one submission).

Submission:

Dasa
Classification: Uncertain significance. Last evaluated: 2026-05-13. Review status: criteria provided, single submitter. Criteria: DASA Assertion Criteria. Collection method: clinical testing. Allele origin: germline.
Comment: NM_006914.4(RORB):c.1132C>A (p.Pro378Thr) is a missense variant that results in the substitution of proline with threonine. The affected residue or protein region has prior evidence supporting clinical relevance. This variant is rare in population databases. The currently available literature and clinical evidence are not sufficient to establish a definitive association between this variant and the reported condition. Therefore, this variant is classified as a variant of uncertain significance.